The following is an entry in ClinVar:

NM_015474.4(SAMHD1):c.1325G>A (p.Arg442Gln)

Gene: SAMHD1 (SAM and HD domain containing deoxynucleoside triphosphate triphosphohydrolase 1; minus strand). Cytogenetic location: 20q11.23.
Variant type: single nucleotide variant.
Coding change: c.1325G>A on transcript NM_015474.4 (MANE Select); coding-DNA position 1325, G replaced by A.
Protein change: p.Arg442Gln; replaces arginine 442 with glutamine.
Molecular consequence: missense variant.
Genome position (GRCh38, 1-based): chr20:36,905,449, C>T on the plus strand (G>A on the coding strand, the complement: SAMHD1 is on the minus strand). VCF-style: chr20-36905449-C-T. GRCh37 (hg19) VCF-style: chr20-35533852-C-T.
Other names: c.1325G>A, p.Arg442Gln (NM_001363729.2, NM_001363733.2); short protein forms R442Q.
Identifiers: ClinVar variation 895946 (VCV000895946.9), dbSNP rs775762131, ClinGen allele CA9844532.
Genomic context (GRCh38, chr20:36,905,449, plus strand): 5'-GGCTGCGTCTCACCCACATACTTGAATAGATTACGGTATTCAATTTGTTTTAAAATCTCT[C>T]GTGCGTCTTTCAATTTGGGATCAGTAGAGTATAAAATCTCCAGAAAAATGTTATCTGCCA-3'
Protein context (NP_056289.2, residues 432-452): YSTDPKLKDA[Arg442Gln]EILKQIEYRN

ClinVar aggregate classification (germline): Conflicting classifications of pathogenicity. Review status: criteria provided, conflicting classifications (1 of 4 stars). 5 submissions from 4 submitters: Uncertain significance (2); Benign (1); Likely benign (1). 1 of the submissions does not count toward it. Last evaluated 2026-01-12.

Conditions:
Aicardi Goutieres syndrome (AGS). Also called: Encephalopathy, familial infantile, with calcification of basal ganglia and chronic cerebrospinal fluid lymphocytosis. Identifiers: Orphanet 51, MedGen C0393591, MONDO:0018866.
Aicardi-Goutieres syndrome 5. Identifiers: Orphanet 51, MedGen C2749659, MONDO:0013059, OMIM 612952.
Chilblain lupus 2 (CHBL2). Identifiers: MedGen C3280721, MONDO:0013739, OMIM 614415.

Allele frequency attached by ClinVar (database versions not stated): TOPMed 0.00006; gnomAD 0.00007; ExAC 0.00008.

Submissions (5):

Labcorp Genetics (formerly Invitae), Labcorp
Classification: Likely benign for Aicardi-Goutieres syndrome 5. Last evaluated: 2026-01-12. Review status: criteria provided, single submitter. Criteria: Invitae Variant Classification Sherloc (09022015). Collection method: clinical testing. Allele origin: germline.

Blueprint Genetics
Classification: Uncertain significance. Last evaluated: 2024-05-27. Review status: criteria provided, single submitter. Criteria: ACMG Guidelines, 2015. Collection method: clinical testing. Allele origin: germline.

Illumina Laboratory Services, Illumina
Classification: Benign for Chilblain lupus 2. Last evaluated: 2017-10-20. Review status: criteria provided, single submitter. Criteria: ICSL Variant Classification Criteria 13 December 2019. Collection method: clinical testing. Allele origin: germline.
Comment: This variant was observed as part of a predisposition screen in an ostensibly healthy population. A literature search was performed for the gene, cDNA change, and amino acid change (where applicable). No publications were found based on this search. Allele frequency data from public databases was too high to be consistent with this variant causing disease. Therefore, this variant is classified as benign.

Illumina Laboratory Services, Illumina
Classification: Uncertain significance for Aicardi-Goutieres syndrome 5. Last evaluated: 2017-04-28. Review status: criteria provided, single submitter. Criteria: ICSL Variant Classification Criteria 13 December 2019. Collection method: clinical testing. Allele origin: germline.

Natera, Inc.
Classification: Uncertain significance for Aicardi-Goutieres syndrome. Last evaluated: 2020-02-26. Review status: no assertion criteria provided. Collection method: clinical testing. Allele origin: germline. Not counted in ClinVar's aggregate classification.